The following is an entry in ClinVar:

NM_000428.3(LTBP2):c.3907+5G>A

Gene: LTBP2 (latent transforming growth factor beta binding protein 2; minus strand). Cytogenetic location: 14q24.3.
Variant type: single nucleotide variant.
Coding change: c.3907+5G>A on transcript NM_000428.3 (MANE Select); 5 bases into the intron after coding-DNA position 3907, G replaced by A.
Molecular consequence: intron variant.
Genome position (GRCh38, 1-based): chr14:74,507,174, C>T on the plus strand (G>A on the coding strand, the complement: LTBP2 is on the minus strand). VCF-style: chr14-74507174-C-T. GRCh37 (hg19) VCF-style: chr14-74973877-C-T.
Identifiers: ClinVar variation 2997266 (VCV002997266.3), dbSNP rs778817928, ClinGen allele CA7269000.

ClinVar aggregate classification (germline): Uncertain significance (1 of 4 stars; one submission).

Allele frequency attached by ClinVar (database versions not stated): gnomAD exomes below 0.00001; gnomAD 0.00001; TOPMed 0.00001; ExAC 0.00002.
gnomAD v4.1: 7 of 1,614,046 alleles (0.00043%); highest among the groups gnomAD compares: Middle Eastern, 0.016%; no homozygotes.

Submission:

Labcorp Genetics (formerly Invitae), Labcorp
Classification: Uncertain significance. Last evaluated: 2024-12-29. Review status: criteria provided, single submitter. Criteria: Invitae Variant Classification Sherloc (09022015). Collection method: clinical testing. Allele origin: germline.
Comment: This sequence change falls in intron 26 of the LTBP2 gene. It does not directly change the encoded amino acid sequence of the LTBP2 protein. It affects a nucleotide within the consensus splice site. This variant is present in population databases (rs778817928, gnomAD 0.01%). This variant has not been reported in the literature in individuals affected with LTBP2-related conditions. ClinVar contains an entry for this variant (Variation ID: 2997266). Variants that disrupt the consensus splice site are a relatively common cause of aberrant splicing (PMID: 17576681, 9536098). Algorithms developed to predict the effect of sequence changes on RNA splicing suggest that this variant may disrupt the consensus splice site. In summary, the available evidence is currently insufficient to determine the role of this variant in disease. Therefore, it has been classified as a Variant of Uncertain Significance.

Literature cited by the submitters: PubMed 17576681; PubMed 9536098.